The following is an entry in ClinVar:

NM_001382.4(DPAGT1):c.172C>T (p.Gln58Ter)

Genes: DPAGT1 (dolichyl-phosphate N-acetylglucosaminephosphotransferase 1; minus strand), LOC126861360 (BRD4-independent group 4 enhancer GRCh37_chr11:118972216-118973415; plus strand). Cytogenetic location: 11q23.3.
Variant type: single nucleotide variant.
Coding change: c.172C>T on transcript NM_001382.4 (MANE Select); coding-DNA position 172, C replaced by T.
Protein change: p.Gln58Ter; replaces glutamine 58 with a stop codon.
Molecular consequence: nonsense.
Genome position (GRCh38, 1-based): chr11:119,101,128, G>A on the plus strand (C>T on the coding strand, the complement: DPAGT1 is on the minus strand). VCF-style: chr11-119101128-G-A. GRCh37 (hg19) VCF-style: chr11-118971838-G-A.
Other names: short protein forms Q58*.
Identifiers: ClinVar variation 4785074 (VCV004785074.1).

ClinVar aggregate classification (germline): Pathogenic (1 of 4 stars; one submission).

Conditions:
Congenital myasthenic syndrome 13 (CMS13). Also called: Myasthenic syndrome, congenital, with tubular aggregates 2; Myasthenic syndrome, congenital, 13, with tubular aggregates. Identifiers: Orphanet 353327, Orphanet 590, MedGen C3553645, MONDO:0013883, OMIM 614750.
DPAGT1-congenital disorder of glycosylation. Also called: CONGENITAL DISORDER OF GLYCOSYLATION, TYPE Ij; CDG Ij; DPAGT1-CDG. Identifiers: Orphanet 86309, MedGen C2931004, MONDO:0011964, OMIM 608093.

Submission:

Labcorp Genetics (formerly Invitae), Labcorp
Classification: Pathogenic for Congenital myasthenic syndrome 13; DPAGT1-congenital disorder of glycosylation. Last evaluated: 2025-09-25. Review status: criteria provided, single submitter. Criteria: Invitae Variant Classification Sherloc (09022015). Collection method: clinical testing. Allele origin: germline.
Comment: This sequence change creates a premature translational stop signal (p.Gln58*) in the DPAGT1 gene. It is expected to result in an absent or disrupted protein product. Loss-of-function variants in DPAGT1 are known to be pathogenic (PMID: 22742743). This variant is not present in population databases (gnomAD no frequency). This variant has not been reported in the literature in individuals affected with DPAGT1-related conditions. Algorithms developed to predict the effect of sequence changes on RNA splicing suggest that this variant may disrupt the consensus splice site. For these reasons, this variant has been classified as Pathogenic.

Literature cited by the submitters: PubMed 22742743.